The following is an entry in ClinVar:

NM_006218.4(PIK3CA):c.995G>T (p.Ser332Ile)

Gene: PIK3CA (phosphatidylinositol-4,5-bisphosphate 3-kinase catalytic subunit alpha; plus strand). Cytogenetic location: 3q26.32.
Variant type: single nucleotide variant.
Coding change: c.995G>T on transcript NM_006218.4 (MANE Select); coding-DNA position 995, G replaced by T.
Protein change: p.Ser332Ile; replaces serine 332 with isoleucine.
Molecular consequence: missense variant.
Genome position (GRCh38, 1-based): chr3:179,203,725, G>T. VCF-style: chr3-179203725-G-T. GRCh37 (hg19) VCF-style: chr3-178921513-G-T.
Other names: c.995G>T (LRG_310t1); short protein forms S332I.
Identifiers: ClinVar variation 526639 (VCV000526639.14), dbSNP rs1262394031, ClinGen allele CA355281159.

ClinVar aggregate classification (germline): Uncertain significance. Review status: criteria provided, multiple submitters, no conflicts (2 of 4 stars). 2 submissions from 2 submitters: Uncertain significance (2). Last evaluated 2026-06-24.

Conditions:
Cowden syndrome (CS). Also called: Cowden's disease; Cowden's syndrome; Cowden disease. Identifiers: Orphanet 201, MedGen C0018553, MONDO:0016063. Disease mechanism: gain of function.
Inborn genetic diseases. Identifiers: MedGen C0950123, MeSH D030342.

gnomAD v4.1: 3 of 1,612,622 alleles (0.00019%); highest among the groups gnomAD compares: Non-Finnish European, 0.00025%; no homozygotes.

Submissions (2):

Ambry Genetics
Classification: Uncertain significance for Inborn genetic diseases. Last evaluated: 2026-06-24. Review status: criteria provided, single submitter. Criteria: Ambry Variant Classification Scheme 2023. Collection method: clinical testing. Allele origin: germline.

Labcorp Genetics (formerly Invitae), Labcorp
Classification: Uncertain significance for Cowden syndrome. Last evaluated: 2017-11-28. Review status: criteria provided, single submitter. Criteria: Invitae Variant Classification Sherloc (09022015). Collection method: clinical testing. Allele origin: germline.
Comment: Algorithms developed to predict the effect of missense changes on protein structure and function do not agree on the potential impact of this missense change (SIFT: "Deleterious"; PolyPhen-2: "Benign"; Align-GVGD: "Class C0"). This variant has not been reported in the literature in individuals with PIK3CA-related disease. This variant is not present in population databases (ExAC no frequency). This sequence change replaces serine with isoleucine at codon 332 of the PIK3CA protein (p.Ser332Ile). The serine residue is highly conserved and there is a large physicochemical difference between serine and isoleucine. In summary, the available evidence is currently insufficient to determine the role of this variant in disease. Therefore, it has been classified as a Variant of Uncertain Significance.